The following is an entry in ClinVar:

NM_000051.4(ATM):c.4401C>T (p.Asp1467=)

Gene: ATM (ATM serine/threonine kinase; plus strand). Cytogenetic location: 11q22.3.
Variant type: single nucleotide variant.
Coding change: c.4401C>T on transcript NM_000051.4 (MANE Select); coding-DNA position 4401, C replaced by T.
Protein change: p.Asp1467=; no amino-acid change (aspartic acid 1467 retained).
Molecular consequence: synonymous variant.
Genome position (GRCh38, 1-based): chr11:108,289,766, C>T. VCF-style: chr11-108289766-C-T. GRCh37 (hg19) VCF-style: chr11-108160493-C-T.
Other names: c.4401C>T, p.Asp1467= (NM_001351834.2).
Identifiers: ClinVar variation 233363 (VCV000233363.21), dbSNP rs876660356, ClinGen allele CA10579148.
Genomic context (GRCh38, chr11:108,289,766, plus strand): 5'-TTTATTACTGAAAGATATAAAAAGTGGCTTAGGAGGAGCTTGGGCCTTTGTTCTTCGAGA[C>T]GTTATTTATACTTTGATTCACTATATCAACCAAAGGTAAATAACATATTTAGACCAATAT-3'
Protein context (NP_000042.3, residues 1457-1477): LGGAWAFVLR[Asp1467=]VIYTLIHYIN

ClinVar aggregate classification (germline): Benign/Likely benign. Review status: criteria provided, multiple submitters, no conflicts (2 of 4 stars). 6 submissions from 6 submitters: Benign (1); Likely benign (5). Last evaluated 2025-08-05.

Conditions:
Familial cancer of breast. Also called: hereditary breast carcinoma; BREAST CANCER, FAMILIAL; Hereditary breast cancer. Identifiers: Orphanet 227535, MedGen C0346153, MONDO:0016419, OMIM 114480. Disease mechanism: loss of function.
Hereditary cancer-predisposing syndrome. Also called: Tumor predisposition; Hereditary Cancer Syndrome; Hereditary neoplastic syndrome; Neoplastic Syndromes, Hereditary. Identifiers: Orphanet 140162, MedGen C0027672, MeSH D009386, MONDO:0015356.
Ataxia-telangiectasia syndrome (AT). Also called: Ataxia telangiectasia (A-T); LOUIS-BAR SYNDROME; Cerebello-oculocutaneous telangiectasia; Immunodeficiency with ataxia telangiectasia; ATAXIA-TELANGIECTASIA, COMPLEMENTATION GROUP A; ATAXIA-TELANGIECTASIA, FRESNO VARIANT. Identifiers: Orphanet 100, MedGen C0004135, MONDO:0008840, OMIM 208900.

Allele frequency attached by ClinVar (database versions not stated): gnomAD exomes 0.00001 and below 0.00001; TOPMed below 0.00001; gnomAD 0.00001.
gnomAD v4.1: 12 of 1,613,210 alleles (0.00074%); highest among the groups gnomAD compares: East Asian, 0.0022%; no homozygotes.

Submissions (6):

Labcorp Genetics (formerly Invitae), Labcorp
Classification: Likely benign for Ataxia-telangiectasia syndrome. Last evaluated: 2025-08-05. Review status: criteria provided, single submitter. Criteria: Invitae Variant Classification Sherloc (09022015). Collection method: clinical testing. Allele origin: germline.

Myriad Genetics, Inc.
Classification: Benign for Familial cancer of breast. Last evaluated: 2024-05-17. Review status: criteria provided, single submitter. Criteria: Myriad Autosomal Dominant, Autosomal Recessive and X-Linked Classification Criteria (2023). Collection method: clinical testing. Allele origin: unknown.
Comment: This variant is considered benign. This variant is a silent/synonymous amino acid change and it is not expected to impact splicing.

Women's Health and Genetics/Laboratory Corporation of America, LabCorp
Classification: Likely benign. Last evaluated: 2020-04-06. Review status: criteria provided, single submitter. Criteria: LabCorp Variant Classification Summary - May 2015. Collection method: clinical testing. Allele origin: germline.

GeneDx
Classification: Likely benign. Last evaluated: 2018-12-26. Review status: criteria provided, single submitter. Criteria: GeneDx Variant Classification Process June 2021. Collection method: clinical testing. Allele origin: germline. Affected: yes.

Color Diagnostics, LLC DBA Color Health
Classification: Likely benign for Hereditary cancer-predisposing syndrome. Last evaluated: 2016-12-02. Review status: criteria provided, single submitter. Criteria: ACMG Guidelines, 2015. Collection method: clinical testing. Allele origin: germline.

Ambry Genetics
Classification: Likely benign for Hereditary cancer-predisposing syndrome. Last evaluated: 2015-08-12. Review status: criteria provided, single submitter. Criteria: Ambry Variant Classification Scheme 2023. Collection method: clinical testing. Allele origin: germline.